The following is an entry in ClinVar:

ClinVar aggregate classification (germline): Pathogenic (1 of 4 stars; one submission).

Conditions:
Usher syndrome type 1F (USH1F). Also called: USHER SYNDROME, TYPE IF. Identifiers: Orphanet 231169, Orphanet 886, MedGen C1865885, MONDO:0011186, OMIM 602083.

Submission:

Myriad Genetics, Inc.
Classification: Pathogenic for Usher syndrome type 1F. Last evaluated: 2024-10-19. Review status: criteria provided, single submitter. Criteria: Myriad Autosomal Dominant, Autosomal Recessive and X-Linked Classification Criteria (2023). Collection method: clinical testing. Allele origin: unknown.
Comment: NM_033056.3(PCDH15):c.1474_1483del10(P492Sfs*5) is expected to be pathogenic in the context of PCDH15-related disorders. This variant is predicted to lead to an abnormal or absent protein product due to the creation of a premature termination codon in PCDH15, a gene where loss-of-function variants are known to be pathogenic. Please note: this variant was assessed in the context of healthy population screening.

NM_001384140.1(PCDH15):c.1474_1483del (p.Pro492fs)

Gene: PCDH15 (protocadherin related 15; minus strand). Cytogenetic location: 10q21.1.
Variant type: Deletion.
Coding change: c.1474_1483del on transcript NM_001384140.1 (MANE Select); coding-DNA positions 1474 to 1483, 10 bases deleted (CCAGTCATCG; older notation c.1474_1483delCCAGTCATCG).
Protein change: p.Pro492fs; shifts the reading frame from proline 492.
Molecular consequence: frameshift variant.
Genome position (GRCh38, 1-based): chr10:54,183,551-54,183,560, CGATGACTGG deleted on the plus strand (CCAGTCATCG on the coding strand, the reverse complement: PCDH15 is on the minus strand); deleting any 10 consecutive bases within chr10:54,183,551-54,183,561 gives the same sequence; the c. name uses the placement nearest the transcript's 3' end. VCF-style (leftmost placement, unchanged base first): chr10-54183550-ACGATGACTGG-A. GRCh37 (hg19) VCF-style: chr10-55943310-ACGATGACTGG-A.
Other names: c.1489_1498del, p.Pro497fs (NM_001142763.2, NM_001142771.2); c.1474_1483del, p.Pro492fs (NM_001142764.2, NM_001142765.2, NM_001142766.2 and 6 more transcripts); c.1363_1372del, p.Pro455fs (NM_001142767.2); c.1408_1417del, p.Pro470fs (NM_001142768.2, NM_001142773.2, NM_001354404.2); c.1509_1518delGCCAGTCATC, p.Pro504Serfs (NM_001142769.4); c.1495_1504del, p.Pro499fs (NM_001354411.2); short protein forms P455fs, P470fs, P492fs, P497fs, P499fs, P504fs.
Identifiers: ClinVar variation 5013655 (VCV005013655.1).